The following is an entry in ClinVar:

ClinVar aggregate classification (germline): Uncertain significance (1 of 4 stars; one submission).

Conditions:
Hereditary cancer-predisposing syndrome. Also called: Neoplastic Syndromes, Hereditary; Tumor predisposition; Hereditary neoplastic syndrome; Hereditary Cancer Syndrome. Identifiers: Orphanet 140162, MedGen C0027672, MeSH D009386, MONDO:0015356.

Submission:

Ambry Genetics
Classification: Uncertain significance for Hereditary cancer-predisposing syndrome. Last evaluated: 2026-07-07. Review status: criteria provided, single submitter. Criteria: Ambry Variant Classification Scheme 2023. Collection method: clinical testing. Allele origin: germline.
Comment: The p.S539P variant (also known as c.1615T>C), located in coding exon 11 of the NBN gene, results from a T to C substitution at nucleotide position 1615. The serine at codon 539 is replaced by proline, an amino acid with similar properties. This amino acid position is conserved. In addition, this alteration is predicted to be tolerated by in silico analysis. Based on the available evidence, the clinical significance of this variant remains unclear.

NM_002485.5(NBN):c.1615T>C (p.Ser539Pro)

Gene: NBN (nibrin; minus strand). Cytogenetic location: 8q21.3.
Variant type: single nucleotide variant.
Coding change: c.1615T>C on transcript NM_002485.5 (MANE Select); coding-DNA position 1615, T replaced by C.
Protein change: p.Ser539Pro; replaces serine 539 with proline.
Molecular consequence: missense variant.
Genome position (GRCh38, 1-based): chr8:89,953,474, A>G on the plus strand (T>C on the coding strand, the complement: NBN is on the minus strand). VCF-style: chr8-89953474-A-G. GRCh37 (hg19) VCF-style: chr8-90965702-A-G.
Other names: c.1369T>C, p.Ser457Pro (NM_001024688.3, NM_001440379.1, NM_001440380.1); short protein forms S539P, S457P.
Identifiers: ClinVar variation 5025414 (VCV005025414.1).